The following is an entry in ClinVar:

NM_001297.5(CNGB1):c.1179C>T (p.Asp393=)

Gene: CNGB1 (cyclic nucleotide gated channel subunit beta 1; minus strand). Cytogenetic location: 16q21.
Variant type: single nucleotide variant.
Coding change: c.1179C>T on transcript NM_001297.5 (MANE Select); coding-DNA position 1179, C replaced by T.
Protein change: p.Asp393=; no amino-acid change (aspartic acid 393 retained).
Molecular consequence: synonymous variant.
Genome position (GRCh38, 1-based): chr16:57,940,264, G>A on the plus strand (C>T on the coding strand, the complement: CNGB1 is on the minus strand). VCF-style: chr16-57940264-G-A. GRCh37 (hg19) VCF-style: chr16-57974168-G-A.
Other names: c.1161C>T, p.Asp387= (NM_001286130.2).
Identifiers: ClinVar variation 884278 (VCV000884278.16), dbSNP rs377042647, ClinGen allele CA8083519.

ClinVar aggregate classification (germline): Conflicting classifications of pathogenicity. Review status: criteria provided, conflicting classifications (1 of 4 stars). 6 submissions from 6 submitters: Uncertain significance (1); Likely benign (3). 2 of the submissions do not count toward it. Last evaluated 2026-01-25.

Conditions:
CNGB1-related disorder. Also called: CNGB1-related condition.
Retinitis pigmentosa (RP). Identifiers: Orphanet 791, MedGen C0035334, MeSH D012174, MONDO:0019200, OMIM 268000. Inheritance: Autosomal dominant, autosomal recessive and X linked inheritance.

Allele frequency attached by ClinVar (database versions not stated): TOPMed 0.00008; gnomAD 0.00014 and 0.00019; gnomAD exomes 0.00014; ESP Exome Variant Server 0.00016; ExAC 0.00040.
gnomAD v4.1: 192 of 1,578,016 alleles (0.012%); highest among the groups gnomAD compares: South Asian, 0.078%; no homozygotes.

Submissions (6):

Labcorp Genetics (formerly Invitae), Labcorp
Classification: Likely benign. Last evaluated: 2026-01-25. Review status: criteria provided, single submitter. Criteria: Invitae Variant Classification Sherloc (09022015). Collection method: clinical testing. Allele origin: germline.

Blueprint Genetics
Classification: Likely benign. Last evaluated: 2024-11-11. Review status: criteria provided, single submitter. Criteria: ACMG Guidelines, 2015. Collection method: clinical testing. Allele origin: germline.

PreventionGenetics, part of Exact Sciences
Classification: Likely benign for CNGB1-related condition. Last evaluated: 2024-10-26. Review status: criteria provided, single submitter. Criteria: ACMG Guidelines, 2015. Collection method: clinical testing. Allele origin: germline.
Comment: This variant is classified as likely benign based on ACMG/AMP sequence variant interpretation guidelines (Richards et al. 2015 PMID: 25741868, with internal and published modifications).

Illumina Laboratory Services, Illumina
Classification: Uncertain significance for Retinitis pigmentosa. Last evaluated: 2018-01-13. Review status: criteria provided, single submitter. Criteria: ICSL Variant Classification Criteria 13 December 2019. Collection method: clinical testing. Allele origin: germline.

Clinical Genetics DNA and cytogenetics Diagnostics Lab, Erasmus MC, Erasmus Medical Center
Classification: Likely benign. Review status: no assertion criteria provided. Collection method: clinical testing. Allele origin: germline. Affected: yes. Study: VKGL Data-share Consensus. Not counted in ClinVar's aggregate classification.

Clinical Genetics, Academic Medical Center
Classification: Benign. Review status: no assertion criteria provided. Collection method: clinical testing. Allele origin: germline. Affected: yes. Study: VKGL Data-share Consensus. Not counted in ClinVar's aggregate classification.